The following is an entry in ClinVar:

ClinVar aggregate classification (germline): Pathogenic (1 of 4 stars; one submission).

gnomAD v4.1: 1 of 1,613,412 alleles (0.000062%); no homozygotes.

Submission:

Labcorp Genetics (formerly Invitae), Labcorp
Classification: Pathogenic. Last evaluated: 2022-08-16. Review status: criteria provided, single submitter. Criteria: Invitae Variant Classification Sherloc (09022015). Collection method: clinical testing. Allele origin: germline.
Comment: This sequence change creates a premature translational stop signal (p.Arg4063*) in the LRP2 gene. It is expected to result in an absent or disrupted protein product. Loss-of-function variants in LRP2 are known to be pathogenic (PMID: 17632512, 25682901). For these reasons, this variant has been classified as Pathogenic. ClinVar contains an entry for this variant (Variation ID: 1446088). This variant has not been reported in the literature in individuals affected with LRP2-related conditions. This variant is present in population databases (no rsID available, gnomAD 0.0009%).

Literature cited by the submitters: PubMed 17632512; PubMed 25682901.

NM_004525.3(LRP2):c.12187C>T (p.Arg4063Ter)

Gene: LRP2 (LDL receptor related protein 2; minus strand). Cytogenetic location: 2q31.1.
Variant type: single nucleotide variant.
Coding change: c.12187C>T on transcript NM_004525.3 (MANE Select); coding-DNA position 12187, C replaced by T.
Protein change: p.Arg4063Ter; replaces arginine 4063 with a stop codon.
Molecular consequence: nonsense.
Genome position (GRCh38, 1-based): chr2:169,154,568, G>A on the plus strand (C>T on the coding strand, the complement: LRP2 is on the minus strand). VCF-style: chr2-169154568-G-A. GRCh37 (hg19) VCF-style: chr2-170011078-G-A.
Other names: short protein forms R4063*.
Identifiers: ClinVar variation 1446088 (VCV001446088.6), dbSNP rs762645702, ClinGen allele CA349137464.
Genomic context (GRCh38, chr2:169,154,568, plus strand): 5'-ATTCCTCATCTTGAAGATACTCTGAGAACCTCTCAGATGAGAGATTATATTTTCGAATTC[G>A]GACATTGTCAGGCAGTAGCAACAAAGGAGAGCTACCTGTAAACAAACAAAGGGCTACTTT-3'